The following is an entry in ClinVar:

ClinVar aggregate classification (germline): Uncertain significance (1 of 4 stars; one submission).

Conditions:
Dilated cardiomyopathy 1W (CMD1W). Identifiers: Orphanet 154, MedGen C1969639, MONDO:0012667, OMIM 611407.

Allele frequency attached by ClinVar (database versions not stated): gnomAD below 0.00001 and 0.00001; TOPMed below 0.00001.
gnomAD v4.1: 1 of 1,613,906 alleles (0.000062%); highest among the groups gnomAD compares: South Asian, 0.0011%; no homozygotes.

Submission:

Labcorp Genetics (formerly Invitae), Labcorp
Classification: Uncertain significance for Dilated cardiomyopathy 1W. Last evaluated: 2021-09-01. Review status: criteria provided, single submitter. Criteria: Invitae Variant Classification Sherloc (09022015). Collection method: clinical testing. Allele origin: germline.
Comment: This sequence change falls in intron 3 of the VCL gene. It does not directly change the encoded amino acid sequence of the VCL protein. It affects a nucleotide within the consensus splice site of the intron. This variant is not present in population databases (ExAC no frequency). This variant has not been reported in the literature in individuals affected with VCL-related conditions. Variants that disrupt the consensus splice site are a relatively common cause of aberrant splicing (PMID: 17576681, 9536098). Algorithms developed to predict the effect of sequence changes on RNA splicing suggest that this variant is not likely to affect RNA splicing. In summary, the available evidence is currently insufficient to determine the role of this variant in disease. Therefore, it has been classified as a Variant of Uncertain Significance.

Literature cited by the submitters: PubMed 17576681; PubMed 9536098.

NM_014000.3(VCL):c.390+4G>A

Gene: VCL (vinculin; plus strand). Cytogenetic location: 10q22.2.
Variant type: single nucleotide variant.
Coding change: c.390+4G>A on transcript NM_014000.3 (MANE Select); 4 bases into the intron after coding-DNA position 390, G replaced by A.
Molecular consequence: intron variant.
Genome position (GRCh38, 1-based): chr10:74,070,824, G>A. VCF-style: chr10-74070824-G-A. GRCh37 (hg19) VCF-style: chr10-75830582-G-A.
Other names: c.390+4G>A (NM_003373.4).
Identifiers: ClinVar variation 408947 (VCV000408947.6), dbSNP rs1060502195, ClinGen allele CA16613063.